The following is an entry in ClinVar:

ClinVar aggregate classification (germline): Likely pathogenic. Review status: reviewed by expert panel (3 of 4 stars). 2 submissions from 2 submitters: Likely pathogenic (1). 1 of the submissions does not count toward it. Last evaluated 2026-04-28.

Conditions:
Creatine transporter deficiency (CCDS1). Also called: Creatine Transporter (CRTR) Deficiency; Mental retardation , X-linked with seizures, short stature and midface hypoplasia; Mental retardation , X-linked, with creatine transport deficiency; X-linked creatine transporter deficiency; X-linked creatine deficiency syndrome; SLC6A8-Related Creatine Transporter Deficiency. Identifiers: Orphanet 52503, MedGen C1845862, MONDO:0010305, OMIM 300352.

Submissions (2):

ClinGen Cerebral Creatine Deficiency Syndromes Variant Curation Expert Panel, ClinGen
Classification: Likely pathogenic for Creatine transporter deficiency. Last evaluated: 2026-04-28. Review status: reviewed by expert panel. Criteria: ClinGen_CCDS_ACMG_Specifications_SLC6A8_v1.1. Collection method: curation. Allele origin: germline. Inheritance: X-linked inheritance.
Comment: The NM_005629.4:c.946dup (p.Ser316PhefsTer149)variant in SLC6A8 is a frameshift variant predicted to cause a premature stop codon, leading to nonsense mediated decay in a gene in which loss-of-function is an established disease mechanism (PVS1). The variant is absent in gnomAD v4.1.0 (PM2_Supporting). To our knowledge, this variant has not been reported in individuals with creatine transporter deficiency in the literature and results of functional studies are unavailable. There is a ClinVar entry for this variant (Variation ID: 586615). In summary, this variant meets the criteria to be classified as likely pathogenic for creatine transporter deficiency. The classification of this variant has been upgraded from Variant of Uncertain Significance to Likely Pathogenic based on the recommendations of the ClinGen Sequence Variant Interpretation Working Group, that a variant meeting PVS1 and PM2_Supporting is classified as Likely Pathogenic. In summary, this variant meets the criteria to be classified as likely pathogenic for creatine transporter deficiency based on the SLC6A8-specific ACMG/AMP criteria applied, as specified by the ClinGen Cerebral Creatine Deficiency Syndromes Variant Curation Expert Panel (Specifications Version 1.2.0): PVS1, PM2_Supporting (Classification approved by the ClinGen Cerebral Creatine Deficiency Syndromes Variant Curation Expert Panel, April 28, 2026)

Athena Diagnostics
Classification: Likely pathogenic. Last evaluated: 2017-10-19. Review status: criteria provided, single submitter. Criteria: Athena Diagnostics Criteria. Collection method: clinical testing. Allele origin: germline. Not counted in ClinVar's aggregate classification.

NM_005629.4(SLC6A8):c.946dup (p.Ser316fs)

Gene: SLC6A8 (solute carrier family 6 member 8; plus strand). Cytogenetic location: Xq28.
Variant type: Duplication.
Coding change: c.946dup on transcript NM_005629.4 (MANE Select); coding-DNA position 946, one base duplicated (T; older notation c.946dupT).
Protein change: p.Ser316fs; shifts the reading frame from serine 316.
Molecular consequence: frameshift variant.
Genome position (GRCh38, 1-based): chrX:153,693,296, T duplicated; the last of 4 consecutive T bases (chrX:153,693,293-153,693,296); duplicating any one gives the same sequence. VCF-style (leftmost placement, unchanged base first): chrX-153693292-C-CT. GRCh37 (hg19) VCF-style: chrX-152958747-C-CT.
Other names: NM_005629.4(SLC6A8):c.946dup; p.Ser316fs; c.946dup, p.Ser316fs (NM_001142805.2); c.601dup, p.Ser201fs (NM_001142806.1); short protein forms S316fs, S201fs.
Identifiers: ClinVar variation 586615 (VCV000586615.3), dbSNP rs1569539358, ClinGen allele CA891843979.